The following is an entry in ClinVar:

ClinVar aggregate classification (germline): Uncertain significance. Review status: criteria provided, multiple submitters, no conflicts (2 of 4 stars). 2 submissions from 2 submitters: Uncertain significance (2). Last evaluated 2025-03-04.

Conditions:
Hypertrophic cardiomyopathy. Also called: HYPERTROPHIC MYOCARDIOPATHY. Identifiers: Orphanet 217569, MedGen C0007194, MeSH D002312, MONDO:0005045, HP:0001639.

Allele frequency attached by ClinVar (database versions not stated): gnomAD exomes below 0.00001; ExAC 0.00001; TOPMed 0.00001.
gnomAD v4.1: 1 of 1,612,418 alleles (0.000062%); highest among the groups gnomAD compares: Admixed American, 0.0017%; no homozygotes.

Submissions (2):

GeneDx
Classification: Uncertain significance. Last evaluated: 2025-03-04. Review status: criteria provided, single submitter. Criteria: GeneDx Variant Classification Process June 2021. Collection method: clinical testing. Allele origin: germline. Affected: yes.
Comment: Not observed at significant frequency in large population cohorts (gnomAD); In silico analysis supports that this missense variant has a deleterious effect on protein structure/function; Has not been previously published as pathogenic or benign to our knowledge

Labcorp Genetics (formerly Invitae), Labcorp
Classification: Uncertain significance for Hypertrophic cardiomyopathy. Last evaluated: 2024-11-04. Review status: criteria provided, single submitter. Criteria: Invitae Variant Classification Sherloc (09022015). Collection method: clinical testing. Allele origin: germline.
Comment: This sequence change replaces aspartic acid, which is acidic and polar, with glycine, which is neutral and non-polar, at codon 1431 of the MYH7 protein (p.Asp1431Gly). This variant is present in population databases (rs776921449, gnomAD 0.003%). This variant has not been reported in the literature in individuals affected with MYH7-related conditions. ClinVar contains an entry for this variant (Variation ID: 967644). Invitae Evidence Modeling of protein sequence and biophysical properties (such as structural, functional, and spatial information, amino acid conservation, physicochemical variation, residue mobility, and thermodynamic stability) indicates that this missense variant is expected to disrupt MYH7 protein function with a positive predictive value of 95%. In summary, the available evidence is currently insufficient to determine the role of this variant in disease. Therefore, it has been classified as a Variant of Uncertain Significance.

NM_000257.4(MYH7):c.4292A>G (p.Asp1431Gly)

Genes: MHRT (myosin heavy chain associated RNA transcript; plus strand), MYH7 (myosin heavy chain 7; minus strand). Cytogenetic location: 14q11.2.
Variant type: single nucleotide variant.
Coding change: c.4292A>G on transcript NM_000257.4 (MANE Select); coding-DNA position 4292, A replaced by G.
Protein change: p.Asp1431Gly; replaces aspartic acid 1431 with glycine.
Molecular consequence: missense variant. On other transcripts: non-coding transcript variant (1).
Genome position (GRCh38, 1-based): chr14:23,417,564, T>C on the plus strand (A>G on the coding strand, the complement: MYH7 is on the minus strand). VCF-style: chr14-23417564-T-C. GRCh37 (hg19) VCF-style: chr14-23886773-T-C.
Other names: c.4292A>G (NM_000257.2); short protein forms D1431G.
Identifiers: ClinVar variation 967644 (VCV000967644.10), dbSNP rs776921449, ClinGen allele CA041540.